The following is an entry in ClinVar:

ClinVar aggregate classification (germline): Uncertain significance (1 of 4 stars; one submission).

Conditions:
GNE myopathy (NM). Also called: MYOPATHY, DISTAL, WITH OR WITHOUT RIMMED VACUOLES; NONAKA DISTAL MYOPATHY; INCLUSION BODY MYOPATHY, HEREDITARY, AUTOSOMAL RECESSIVE; INCLUSION BODY MYOPATHY 2, AUTOSOMAL RECESSIVE; IBM 2; Inclusion body myopathy autosomal recessive. Identifiers: Orphanet 602, MedGen C1853926, MONDO:0011603, OMIM 605820.
Sialuria. Also called: SIALURIA, FRENCH TYPE; Sialic Acid Storage Disease. Identifiers: Orphanet 3166, MedGen C0342853, MONDO:0010028, OMIM 269921.

Allele frequency attached by ClinVar (database versions not stated): TOPMed below 0.00001; gnomAD 0.00001.
gnomAD v4.1: 2 of 1,613,982 alleles (0.00012%); highest among the groups gnomAD compares: Non-Finnish European, 0.000085%; no homozygotes.

Submission:

Labcorp Genetics (formerly Invitae), Labcorp
Classification: Uncertain significance for Sialuria; GNE myopathy. Last evaluated: 2022-03-19. Review status: criteria provided, single submitter. Criteria: Invitae Variant Classification Sherloc (09022015). Collection method: clinical testing. Allele origin: germline.
Comment: This sequence change replaces leucine, which is neutral and non-polar, with valine, which is neutral and non-polar, at codon 535 of the GNE protein (p.Leu535Val). This variant is present in population databases (no rsID available, gnomAD 0.007%). This variant has not been reported in the literature in individuals affected with GNE-related conditions. Advanced modeling of protein sequence and biophysical properties (such as structural, functional, and spatial information, amino acid conservation, physicochemical variation, residue mobility, and thermodynamic stability) performed at Invitae indicates that this missense variant is not expected to disrupt GNE protein function. In summary, the available evidence is currently insufficient to determine the role of this variant in disease. Therefore, it has been classified as a Variant of Uncertain Significance.

NM_005476.7(GNE):c.1510C>G (p.Leu504Val)

Gene: GNE (glucosamine (UDP-N-acetyl)-2-epimerase/N-acetylmannosamine kinase; minus strand). Cytogenetic location: 9p13.3.
Variant type: single nucleotide variant.
Coding change: c.1510C>G on transcript NM_005476.7 (MANE Select); coding-DNA position 1510, C replaced by G.
Protein change: p.Leu504Val; replaces leucine 504 with valine.
Molecular consequence: missense variant. On other transcripts: intron variant (1).
Genome position (GRCh38, 1-based): chr9:36,222,900, G>C on the plus strand (C>G on the coding strand, the complement: GNE is on the minus strand). VCF-style: chr9-36222900-G-C. GRCh37 (hg19) VCF-style: chr9-36222897-G-C.
Other names: c.1603C>G, p.Leu535Val (NM_001128227.3); c.1180C>G, p.Leu394Val (NM_001190384.3); c.1333C>G, p.Leu445Val (NM_001190388.2, NM_001374798.1); c.1357C>G, p.Leu453Val (NM_001374797.1); c.1411+473C>G (NM_001190383.3); short protein forms L394V, L445V, L453V, L504V, L535V.
Identifiers: ClinVar variation 2202367 (VCV002202367.1), dbSNP rs748005215, ClinGen allele CA373426529.
Genomic context (GRCh38, chr9:36,222,900, plus strand): 5'-CCAGGGCAGCACAGTTGCCATCATTGTCTACCCACACAGGGAGATGCAAAGTGTCAGAAA[G>C]GGGGGTCCTAAGGTCCACAGAGTTCCACTCTTGGATCAGTTTGGTTGAATGCAGCACAAT-3'
Protein context (NP_005467.1, residues 494-514): EWNSVDLRTP[Leu504Val]SDTLHLPVWV